The following is an entry in ClinVar:

ClinVar aggregate classification (germline): Benign. Review status: criteria provided, multiple submitters, no conflicts (2 of 4 stars). 2 submissions from 2 submitters: Benign (2). Last evaluated 2018-01-12.

Conditions:
Diabetes insipidus, nephrogenic, autosomal (NDI2). Also called: Nephrogenic Diabetes Insipidus, Type II; Diabetes insipidus, nephrogenic, 2, autosomal. Identifiers: Orphanet 223, MedGen C1563706, MONDO:0007451, OMIM 125800.

Allele frequency attached by ClinVar (database versions not stated): gnomAD 0.21838 and 0.22228; TOPMed 0.22008; 1000 Genomes Project 30x 0.25890; 1000 Genomes Project 0.26458; gnomAD exomes 0.33333.
gnomAD v4.1: 33,846 of 152,196 alleles (22%); highest among the groups gnomAD compares: East Asian, 38%; 4,016 homozygotes.

Submissions (2):

Illumina Laboratory Services, Illumina
Classification: Benign for Diabetes insipidus, nephrogenic, autosomal. Last evaluated: 2018-01-12. Review status: criteria provided, single submitter. Criteria: ICSL Variant Classification Criteria 13 December 2019. Collection method: clinical testing. Allele origin: germline.
Comment: This variant was observed in the ICSL laboratory as part of a predisposition screen in an ostensibly healthy population. It had not been previously curated by ICSL or reported in the Human Gene Mutation Database (HGMD: prior to June 1st, 2018), and was therefore a candidate for classification through an automated scoring system. Utilizing variant allele frequency, disease prevalence and penetrance estimates, and inheritance mode, an automated score was calculated to assess if this variant is too frequent to cause the disease. Based on the score and internal cut-off values, a variant classified as benign is not then subjected to further curation. The score for this variant resulted in a classification of benign for this disease.

Breakthrough Genomics
Classification: Benign. Review status: criteria provided, single submitter. Criteria: ACMG Guidelines, 2015. Collection method: not provided. Allele origin: germline. Inheritance: Autosomal dominant inheritance. Affected: yes.

NM_000486.6(AQP2):c.*2725A>C

Genes: AQP2 (aquaporin 2; plus strand), AQP5-AS1 (AQP5 and AQP2 antisense RNA 2; minus strand). Cytogenetic location: 12q13.12.
Variant type: single nucleotide variant.
Coding change: c.*2725A>C on transcript NM_000486.6 (MANE Select); 2725 bases downstream of the stop codon, A replaced by C.
Molecular consequence: 3 prime UTR variant.
Genome position (GRCh38, 1-based): chr12:49,958,333, A>C. VCF-style: chr12-49958333-A-C. GRCh37 (hg19) VCF-style: chr12-50352116-A-C.
Identifiers: ClinVar variation 309266 (VCV000309266.6), dbSNP rs1077520, ClinGen allele CA10641637.